The following is an entry in ClinVar:

NM_002524.5(NRAS):c.31G>A (p.Ala11Thr)

Gene: NRAS (NRAS proto-oncogene, GTPase; minus strand). Cytogenetic location: 1p13.2.
Variant type: single nucleotide variant.
Coding change: c.31G>A on transcript NM_002524.5 (MANE Select); coding-DNA position 31, G replaced by A.
Protein change: p.Ala11Thr; replaces alanine 11 with threonine.
Molecular consequence: missense variant.
Genome position (GRCh38, 1-based): chr1:114,716,130, C>T on the plus strand (G>A on the coding strand, the complement: NRAS is on the minus strand). VCF-style: chr1-114716130-C-T. GRCh37 (hg19) VCF-style: chr1-115258751-C-T.
Other names: NM_002524.5(NRAS):c.31G>A; p.Ala11Thr; c.31G>A (LRG_92t1); short protein forms A11T.
Identifiers: ClinVar variation 561350 (VCV000561350.13), dbSNP rs1367788342, ClinGen allele CA341742696.

ClinVar aggregate classification (germline): Uncertain significance. Review status: reviewed by expert panel (3 of 4 stars). 4 submissions from 4 submitters: Uncertain significance (1). 3 of the submissions do not count toward it. Last evaluated 2024-12-03.

Conditions:
RASopathy. Also called: Noonan spectrum disorder; rasopathies. Identifiers: Orphanet 536391, MedGen C5555857, MONDO:0021060.
Cardiovascular phenotype. Identifiers: MedGen CN230736.

Allele frequency attached by ClinVar (database versions not stated): gnomAD exomes below 0.00001.
gnomAD v4.1: 1 of 1,613,858 alleles (0.000062%); highest among the groups gnomAD compares: Admixed American, 0.0017%; no homozygotes.

Submissions (4):

ClinGen RASopathy Variant Curation Expert Panel
Classification: Uncertain significance for RASopathy. Last evaluated: 2024-12-03. Review status: reviewed by expert panel. Criteria: ClinGen RASopathy ACMG Specifications NRAS V2.3.0. Collection method: curation. Allele origin: germline. Inheritance: Autosomal dominant inheritance.
Comment: The NM_002524.5:c.31G>A variant in NRAS is a missense variant predicted to cause substitution of alanine by threonine at amino acid 11 (p.Ala11Thr). The highest population minor allele frequency in gnomAD v2.1.1 is 0.00002891 (1/34592 alleles) in the Admixed American population (PM2_Supporting, BS1, and BA1 are not met). This variant resides within a region, P-loop (AA 10-17), of NRAS that is defined as a critical functional domain by the ClinGen RASopathy VCEP (PM1). In summary, this variant meets the criteria to be classified as uncertain significance for autosomal dominant RASopathy based on the ACMG/AMP criteria applied, as specified by the ClinGen RASopathy VCEP: PM1. (ClinGen RASopathy VCEP specifications version 2.3; 12/3/2024)

Labcorp Genetics (formerly Invitae), Labcorp
Classification: Uncertain significance for RASopathy. Last evaluated: 2025-06-12. Review status: criteria provided, single submitter. Criteria: Invitae Variant Classification Sherloc (09022015). Collection method: clinical testing. Allele origin: germline. Not counted in ClinVar's aggregate classification.
Comment: This sequence change replaces alanine, which is neutral and non-polar, with threonine, which is neutral and polar, at codon 11 of the NRAS protein (p.Ala11Thr). This variant is present in population databases (no rsID available, gnomAD 0.003%). This variant has not been reported in the literature in individuals affected with NRAS-related conditions. ClinVar contains an entry for this variant (Variation ID: 561350). An algorithm developed to predict the effect of missense changes on protein structure and function (PolyPhen-2) suggests that this variant is likely to be tolerated. Experimental studies have shown that this missense change does not substantially affect NRAS function (PMID: 34117033). In summary, the available evidence is currently insufficient to determine the role of this variant in disease. Therefore, it has been classified as a Variant of Uncertain Significance.

GeneDx
Classification: Likely benign. Last evaluated: 2023-07-17. Review status: criteria provided, single submitter. Criteria: GeneDx Variant Classification Process June 2021. Collection method: clinical testing. Allele origin: germline. Affected: yes. Not counted in ClinVar's aggregate classification.
Comment: See Variant Classification Assertion Criteria.

Ambry Genetics
Classification: Uncertain significance for Cardiovascular phenotype. Last evaluated: 2021-10-17. Review status: criteria provided, single submitter. Criteria: Ambry Variant Classification Scheme 2023. Collection method: clinical testing. Allele origin: germline. Not counted in ClinVar's aggregate classification.

Literature cited by the submitters: PubMed 34117033 (cited by Labcorp Genetics (formerly Invitae), Labcorp).